The following is an entry in ClinVar:

NM_001098.3(ACO2):c.1457C>T (p.Thr486Ile)

Gene: ACO2 (aconitase 2; plus strand). Cytogenetic location: 22q13.2.
Variant type: single nucleotide variant.
Coding change: c.1457C>T on transcript NM_001098.3 (MANE Select); coding-DNA position 1457, C replaced by T.
Protein change: p.Thr486Ile; replaces threonine 486 with isoleucine.
Molecular consequence: missense variant.
Genome position (GRCh38, 1-based): chr22:41,523,916, C>T. VCF-style: chr22-41523916-C-T. GRCh37 (hg19) VCF-style: chr22-41919920-C-T.
Other names: short protein forms T486I.
Identifiers: ClinVar variation 1381752 (VCV001381752.8), dbSNP rs2146136544, ClinGen allele CA411727045.

ClinVar aggregate classification (germline): Uncertain significance (1 of 4 stars; one submission).

Submission:

Labcorp Genetics (formerly Invitae), Labcorp
Classification: Uncertain significance. Last evaluated: 2022-08-23. Review status: criteria provided, single submitter. Criteria: Invitae Variant Classification Sherloc (09022015). Collection method: clinical testing. Allele origin: germline.
Comment: Advanced modeling of protein sequence and biophysical properties (such as structural, functional, and spatial information, amino acid conservation, physicochemical variation, residue mobility, and thermodynamic stability) performed at Invitae indicates that this missense variant is expected to disrupt ACO2 protein function. In summary, the available evidence is currently insufficient to determine the role of this variant in disease. Therefore, it has been classified as a Variant of Uncertain Significance. ClinVar contains an entry for this variant (Variation ID: 1381752). This variant has not been reported in the literature in individuals affected with ACO2-related conditions. This variant is not present in population databases (gnomAD no frequency). This sequence change replaces threonine, which is neutral and polar, with isoleucine, which is neutral and non-polar, at codon 486 of the ACO2 protein (p.Thr486Ile).